The following is an entry in ClinVar:

NM_000875.5(IGF1R):c.1643G>C (p.Ser548Thr)

Gene: IGF1R (insulin like growth factor 1 receptor; plus strand). Cytogenetic location: 15q26.3.
Variant type: single nucleotide variant.
Coding change: c.1643G>C on transcript NM_000875.5 (MANE Select); coding-DNA position 1643, G replaced by C.
Protein change: p.Ser548Thr; replaces serine 548 with threonine.
Molecular consequence: missense variant.
Genome position (GRCh38, 1-based): chr15:98,913,097, G>C. VCF-style: chr15-98913097-G-C. GRCh37 (hg19) VCF-style: chr15-99456326-G-C.
Other names: c.1643G>C, p.Ser548Thr (NM_001291858.2); short protein forms S548T.
Identifiers: ClinVar variation 1806750 (VCV001806750.1), dbSNP rs2151676896, ClinGen allele CA393678901.

ClinVar aggregate classification (germline): Uncertain significance (1 of 4 stars; one submission).

Submission:

GeneDx
Classification: Uncertain significance. Last evaluated: 2022-06-22. Review status: criteria provided, single submitter. Criteria: GeneDx Variant Classification Process June 2021. Collection method: clinical testing. Allele origin: germline. Affected: yes.
Comment: Not observed at significant frequency in large population cohorts (gnomAD); In silico analysis supports that this missense variant does not alter protein structure/function; Has not been previously published as pathogenic or benign to our knowledge